The following is an entry in ClinVar:

NC_000022.10:g.(?_22277465)_(22300420_?)dup

Genes: PPM1F (protein phosphatase, Mg2+/Mn2+ dependent 1F; minus strand), PPM1F-AS1 (PPM1F antisense RNA 1; plus strand). Cytogenetic location: 22q11.22.
Variant type: Duplication.
Identifiers: ClinVar variation 2425957 (VCV002425957.4).

ClinVar aggregate classification (germline): Uncertain significance (1 of 4 stars; one submission).

Submission:

Labcorp Genetics (formerly Invitae), Labcorp
Classification: Uncertain significance. Last evaluated: 2022-06-19. Review status: criteria provided, single submitter. Criteria: Invitae Variant Classification Sherloc (09022015). Collection method: clinical testing. Allele origin: germline.
Comment: In summary, the available evidence is currently insufficient to determine the role of this variant in disease. Therefore, it has been classified as a Variant of Uncertain Significance. This variant has not been reported in the literature in individuals affected with PPM1F-related conditions. A copy number gain of the genomic region encompassing the full coding sequence of the PPM1F gene has been identified. The boundaries of this event are unknown as they extend beyond the assayed region for this gene and therefore may encompass additional genes. As the precise location of this event is unknown, it may be in tandem or it may be located elsewhere in the genome.